The following is an entry in ClinVar:

NM_000368.5(TSC1):c.238G>A (p.Val80Met)

Gene: TSC1 (TSC complex subunit 1; minus strand). Cytogenetic location: 9q34.13.
Variant type: single nucleotide variant.
Coding change: c.238G>A on transcript NM_000368.5 (MANE Select); coding-DNA position 238, G replaced by A.
Protein change: p.Val80Met; replaces valine 80 with methionine.
Molecular consequence: missense variant. On other transcripts: 5 prime UTR variant (1), intron variant (1).
Genome position (GRCh38, 1-based): chr9:132,925,712, C>T on the plus strand (G>A on the coding strand, the complement: TSC1 is on the minus strand). VCF-style: chr9-132925712-C-T. GRCh37 (hg19) VCF-style: chr9-135801099-C-T.
Other names: c.238G>A, p.Val80Met (NM_001162426.2); c.-126G>A (NM_001362177.2); c.210+1489G>A (NM_001162427.2); short protein forms V80M.
Identifiers: ClinVar variation 821195 (VCV000821195.14), dbSNP rs1588355807, ClinGen allele CA375374762.
Genomic context (GRCh38, chr9:132,925,712, plus strand): 5'-GCAGTCTTATGACATGACCCAGTAACGAGAGGATGGATAAACGAGTGGCGGCTTTGCCCA[C>T]ATATTCGTTAATCCTGTCCAAGAGGTGCTGAAAATGTAAAAGAACAAGGGCAGTCCTCAC-3'
Protein context (NP_000359.1, residues 70-90): KHLLDRINEY[Val80Met]GKAATRLSIL

ClinVar aggregate classification (germline): Conflicting classifications of pathogenicity. Review status: criteria provided, conflicting classifications (1 of 4 stars). 3 submissions from 3 submitters: Uncertain significance (2); Likely benign (1). Last evaluated 2026-07-09.

Conditions:
Hereditary cancer-predisposing syndrome. Also called: Tumor predisposition; Hereditary Cancer Syndrome; Neoplastic Syndromes, Hereditary; Hereditary neoplastic syndrome. Identifiers: Orphanet 140162, MedGen C0027672, MeSH D009386, MONDO:0015356.
Tuberous sclerosis 1 (TSC1). Identifiers: Orphanet 805, MedGen C1854465, MONDO:0008612, OMIM 191100.

Allele frequency attached by ClinVar (database versions not stated): gnomAD exomes below 0.00001.

Submissions (3):

Ambry Genetics
Classification: Likely benign for Hereditary cancer-predisposing syndrome. Last evaluated: 2026-07-09. Review status: criteria provided, single submitter. Criteria: Ambry Variant Classification Scheme 2023. Collection method: clinical testing. Allele origin: germline.

Labcorp Genetics (formerly Invitae), Labcorp
Classification: Uncertain significance for Tuberous sclerosis 1. Last evaluated: 2021-11-12. Review status: criteria provided, single submitter. Criteria: Invitae Variant Classification Sherloc (09022015). Collection method: clinical testing. Allele origin: germline.
Comment: In summary, the available evidence is currently insufficient to determine the role of this variant in disease. Therefore, it has been classified as a Variant of Uncertain Significance. Algorithms developed to predict the effect of missense changes on protein structure and function output the following: SIFT: "Tolerated"; PolyPhen-2: "Benign"; Align-GVGD: "Class C0". The methionine amino acid residue is found in multiple mammalian species, which suggests that this missense change does not adversely affect protein function. ClinVar contains an entry for this variant (Variation ID: 821195). This variant has not been reported in the literature in individuals affected with TSC1-related conditions. This variant is not present in population databases (gnomAD no frequency). This sequence change replaces valine, which is neutral and non-polar, with methionine, which is neutral and non-polar, at codon 80 of the TSC1 protein (p.Val80Met).

Genome-Nilou Lab
Classification: Uncertain significance for Tuberous sclerosis 1. Last evaluated: 2021-11-07. Review status: criteria provided, single submitter. Criteria: ACMG Guidelines, 2015. Collection method: clinical testing. Allele origin: germline. Affected: no.